The following is an entry in ClinVar:

ClinVar aggregate classification (germline): Uncertain significance. Review status: criteria provided, multiple submitters, no conflicts (2 of 4 stars). 2 submissions from 2 submitters: Uncertain significance (2). Last evaluated 2025-03-19.

Conditions:
Inborn genetic diseases. Identifiers: MedGen C0950123, MeSH D030342.

Submissions (2):

Ambry Genetics
Classification: Uncertain significance for Inborn genetic diseases. Last evaluated: 2025-03-19. Review status: criteria provided, single submitter. Criteria: Ambry Variant Classification Scheme 2023. Collection method: clinical testing. Allele origin: germline.

Labcorp Genetics (formerly Invitae), Labcorp
Classification: Uncertain significance. Last evaluated: 2021-12-06. Review status: criteria provided, single submitter. Criteria: Invitae Variant Classification Sherloc (09022015). Collection method: clinical testing. Allele origin: germline.
Comment: This sequence change replaces aspartic acid, which is acidic and polar, with valine, which is neutral and non-polar, at codon 48 of the PDE8B protein (p.Asp48Val). This variant is not present in population databases (gnomAD no frequency). This variant has not been reported in the literature in individuals affected with PDE8B-related conditions. Algorithms developed to predict the effect of missense changes on protein structure and function are either unavailable or do not agree on the potential impact of this missense change (SIFT: "Tolerated"; PolyPhen-2: "Probably Damaging"; Align-GVGD: "Class C0"). In summary, the available evidence is currently insufficient to determine the role of this variant in disease. Therefore, it has been classified as a Variant of Uncertain Significance.

NM_003719.5(PDE8B):c.143A>T (p.Asp48Val)

Gene: PDE8B (phosphodiesterase 8B; plus strand). Cytogenetic location: 5q13.3.
Variant type: single nucleotide variant.
Coding change: c.143A>T on transcript NM_003719.5 (MANE Select); coding-DNA position 143, A replaced by T.
Protein change: p.Asp48Val; replaces aspartic acid 48 with valine.
Molecular consequence: missense variant. On other transcripts: 5 prime UTR variant (1), intron variant (13).
Genome position (GRCh38, 1-based): chr5:77,211,068, A>T. VCF-style: chr5-77211068-A-T. GRCh37 (hg19) VCF-style: chr5-76506893-A-T.
Other names: c.143A>T, p.Asp48Val (NM_001029851.4, NM_001029852.4, NM_001029853.4 and 7 more transcripts); c.-227A>T (NM_001349753.2); c.36+30582A>T (NM_001349750.3, NM_001376069.1, NM_001376062.1 and 7 more transcripts); c.-34+1022A>T (NM_001376067.1, NM_001376075.1); c.-31+1022A>T (NM_001376068.1); c.143A>T (NM_003719.3); short protein forms D48V.
Identifiers: ClinVar variation 1490591 (VCV001490591.7), dbSNP rs748130788, ClinGen allele CA3314817.